The following is an entry in ClinVar:

NM_005502.4(ABCA1):c.1530A>G (p.Leu510=)

Gene: ABCA1 (ATP binding cassette subfamily A member 1; minus strand). Cytogenetic location: 9q31.1.
Variant type: single nucleotide variant.
Coding change: c.1530A>G on transcript NM_005502.4 (MANE Select); coding-DNA position 1530, A replaced by G.
Protein change: p.Leu510=; no amino-acid change (leucine 510 retained).
Molecular consequence: synonymous variant.
Genome position (GRCh38, 1-based): chr9:104,831,807, T>C on the plus strand (A>G on the coding strand, the complement: ABCA1 is on the minus strand). VCF-style: chr9-104831807-T-C. GRCh37 (hg19) VCF-style: chr9-107594088-T-C.
Other names: p.Leu510=.
Identifiers: ClinVar variation 364444 (VCV000364444.43), dbSNP rs34590907, ClinGen allele CA5168973.

ClinVar aggregate classification (germline): Benign/Likely benign. Review status: criteria provided, multiple submitters, no conflicts (2 of 4 stars). 9 submissions from 8 submitters: Benign (8); Likely benign (1). Last evaluated 2026-02-01.

Conditions:
Cardiovascular phenotype. Identifiers: MedGen CN230736.
Hypoalphalipoproteinemia, primary, 1. Identifiers: Orphanet 425, MedGen C5231558, MONDO:0011393, OMIM 604091.
Tangier disease (TGD). Also called: HIGH DENSITY LIPOPROTEIN DEFICIENCY, TANGIER TYPE; HIGH DENSITY LIPOPROTEIN DEFICIENCY, TYPE 1; Cholesterol thesaurismosis. Identifiers: Orphanet 31150, MedGen C0039292, MONDO:0008783, OMIM 205400.

Allele frequency attached by ClinVar (database versions not stated): gnomAD exomes 0.00035 and 0.00089; ExAC 0.00105; gnomAD 0.00355 and 0.00367; ESP Exome Variant Server 0.00369; TOPMed 0.00391; 1000 Genomes Project 0.00399; 1000 Genomes Project 30x 0.00500.
gnomAD v4.1: 1,072 of 1,614,224 alleles (0.066%); highest among the groups gnomAD compares: African/African-American, 1.3%; 6 homozygotes.

Submissions (9):

Labcorp Genetics (formerly Invitae), Labcorp
Classification: Benign. Last evaluated: 2026-02-01. Review status: criteria provided, single submitter. Criteria: Invitae Variant Classification Sherloc (09022015). Collection method: clinical testing. Allele origin: germline.

Mayo Clinic Laboratories, Mayo Clinic
Classification: Benign. Last evaluated: 2025-10-01. Review status: criteria provided, single submitter. Criteria: ACMG Guidelines, 2015. Collection method: clinical testing. Allele origin: germline. Observed: 3 variant alleles.
Comment: BA1, BP4, BP7

Blueprint Genetics
Classification: Likely benign. Last evaluated: 2024-10-24. Review status: criteria provided, single submitter. Criteria: ACMG Guidelines, 2015. Collection method: clinical testing. Allele origin: germline.

CeGaT Center for Human Genetics Tuebingen
Classification: Benign. Last evaluated: 2023-09-01. Review status: criteria provided, single submitter. Criteria: CeGaT Center For Human Genetics Tuebingen Variant Classification Criteria Version 2. Collection method: clinical testing. Allele origin: germline. Affected: yes. Observed: 1 variant allele.
Comment: ABCA1: BP4, BP7, BS1, BS2

Women's Health and Genetics/Laboratory Corporation of America, LabCorp
Classification: Benign. Last evaluated: 2020-10-17. Review status: criteria provided, single submitter. Criteria: LabCorp Variant Classification Summary - May 2015. Collection method: clinical testing. Allele origin: germline.

Ambry Genetics
Classification: Benign for Cardiovascular phenotype. Last evaluated: 2020-03-19. Review status: criteria provided, single submitter. Criteria: Ambry Variant Classification Scheme 2023. Collection method: clinical testing. Allele origin: germline.

Illumina Laboratory Services, Illumina
Classification: Benign for Hypoalphalipoproteinemia, primary, 1. Last evaluated: 2018-01-12. Review status: criteria provided, single submitter. Criteria: ICSL Variant Classification Criteria 13 December 2019. Collection method: clinical testing. Allele origin: germline.
Comment: This variant was observed in the ICSL laboratory as part of a predisposition screen in an ostensibly healthy population. It had not been previously curated by ICSL or reported in the Human Gene Mutation Database (HGMD: prior to June 1st, 2018), and was therefore a candidate for classification through an automated scoring system. Utilizing variant allele frequency, disease prevalence and penetrance estimates, and inheritance mode, an automated score was calculated to assess if this variant is too frequent to cause the disease. Based on the score and internal cut-off values, a variant classified as benign is not then subjected to further curation. The score for this variant resulted in a classification of benign for this disease.

Illumina Laboratory Services, Illumina
Classification: Benign for Tangier disease. Last evaluated: 2018-01-12. Review status: criteria provided, single submitter. Criteria: ICSL Variant Classification Criteria 13 December 2019. Collection method: clinical testing. Allele origin: germline.
Comment: the same text as in the submission from Illumina Laboratory Services, Illumina above.

Breakthrough Genomics
Classification: Benign. Review status: criteria provided, single submitter. Criteria: ACMG Guidelines, 2015. Collection method: not provided. Allele origin: germline. Inheritance: Autosomal recessive inheritance. Affected: yes.